The following is an entry in ClinVar:

ClinVar aggregate classification (germline): Uncertain significance (1 of 4 stars; one submission).

Submission:

GeneDx
Classification: Uncertain significance. Last evaluated: 2023-03-15. Review status: criteria provided, single submitter. Criteria: GeneDx Variant Classification Process June 2021. Collection method: clinical testing. Allele origin: germline. Affected: yes.
Comment: Not observed at significant frequency in large population cohorts (gnomAD); In silico analysis supports that this missense variant does not alter protein structure/function; Has not been previously published as pathogenic or benign to our knowledge

NM_001792.5(CDH2):c.2008T>C (p.Phe670Leu)

Gene: CDH2 (cadherin 2; minus strand). Cytogenetic location: 18q12.1.
Variant type: single nucleotide variant.
Coding change: c.2008T>C on transcript NM_001792.5 (MANE Select); coding-DNA position 2008, T replaced by C.
Protein change: p.Phe670Leu; replaces phenylalanine 670 with leucine.
Molecular consequence: missense variant.
Genome position (GRCh38, 1-based): chr18:27,985,201, A>G on the plus strand (T>C on the coding strand, the complement: CDH2 is on the minus strand). VCF-style: chr18-27985201-A-G. GRCh37 (hg19) VCF-style: chr18-25565165-A-G.
Other names: c.1915T>C, p.Phe639Leu (NM_001308176.2); short protein forms F639L, F670L.
Identifiers: ClinVar variation 2579995 (VCV002579995.1), dbSNP rs2510792550, ClinGen allele CA402107065.